The following is an entry in ClinVar:

ClinVar aggregate classification (germline): Uncertain significance. Review status: criteria provided, multiple submitters, no conflicts (2 of 4 stars). 2 submissions from 2 submitters: Uncertain significance (2). Last evaluated 2022-11-22.

Conditions:
Myoclonic epilepsy, juvenile, susceptibility to, 1. Also called: Myoclonic Epilepsy, Juvenile, 1; EJM1. Identifiers: MedGen C1850778, MONDO:0020752, OMIM 254770.
Absence seizure. Also called: Absence epilepsy. Identifiers: Orphanet 1941, MedGen C0014553.

Allele frequency attached by ClinVar (database versions not stated): gnomAD exomes 0.00001 and 0.00004; ExAC 0.00003; gnomAD 0.00005 and 0.00007; TOPMed 0.00009.
gnomAD v4.1: 29 of 1,613,778 alleles (0.0018%); highest among the groups gnomAD compares: African/African-American, 0.019%; no homozygotes.

Submissions (2):

Labcorp Genetics (formerly Invitae), Labcorp
Classification: Uncertain significance for Myoclonic epilepsy, juvenile, susceptibility to, 1; Absence seizure. Last evaluated: 2022-11-22. Review status: criteria provided, single submitter. Criteria: Invitae Variant Classification Sherloc (09022015). Collection method: clinical testing. Allele origin: germline.
Comment: In summary, the available evidence is currently insufficient to determine the role of this variant in disease. Therefore, it has been classified as a Variant of Uncertain Significance. Advanced modeling of protein sequence and biophysical properties (such as structural, functional, and spatial information, amino acid conservation, physicochemical variation, residue mobility, and thermodynamic stability) performed at Invitae indicates that this missense variant is not expected to disrupt EFHC1 protein function. ClinVar contains an entry for this variant (Variation ID: 205381). This variant has not been reported in the literature in individuals affected with EFHC1-related conditions. The frequency data for this variant in the population databases is considered unreliable, as metrics indicate poor data quality at this position in the gnomAD database. This sequence change replaces tyrosine, which is neutral and polar, with cysteine, which is neutral and slightly polar, at codon 115 of the EFHC1 protein (p.Tyr115Cys).

GeneDx
Classification: Uncertain significance. Last evaluated: 2014-07-07. Review status: criteria provided, single submitter. Criteria: GeneDx Variant Classification (06012015). Collection method: clinical testing. Allele origin: germline. Affected: yes.
Comment: p.Tyr115Cys (TAT>TGT): c.344 A>G in exon 3 of the EFHC1 gene (NM_018100.3). The Y115C variant has not been published as a mutation, nor has it been reported as a benign polymorphism to our knowledge. It was not observed in approximately 6,500 individuals of European and African American ancestry in the NHLBI Exome Sequencing Project, indicating it is not a common benign variant in these populations. This substitution occurs at a position that is conserved in mammals, but is not conserved in more distantly related species and Cysteine has been seen at this position in one species in evolution. However, a missense mutation in a nearby residue (R118C) has been reported in association with juvenile myoclonic epilepsy. Additionally, the Y115C variant is a non-conservative amino acid substitution, which is likely to impact secondary protein structure as these residues differ in polarity, charge, size and/or other properties. In silico analysis is inconsistent in its predictions as to whether or not the variant is damaging to the protein structure/function. Therefore, based on the currently available information, it is unclear whether this variant is a pathogenic mutation or a rare benign variant. The variant is found in EPILEPSY panel(s).

NM_018100.4(EFHC1):c.344A>G (p.Tyr115Cys)

Gene: EFHC1 (EF-hand domain containing 1; plus strand). Cytogenetic location: 6p12.2.
Variant type: single nucleotide variant.
Coding change: c.344A>G on transcript NM_018100.4 (MANE Select); coding-DNA position 344, A replaced by G.
Protein change: p.Tyr115Cys; replaces tyrosine 115 with cysteine.
Molecular consequence: missense variant. On other transcripts: non-coding transcript variant (1).
Genome position (GRCh38, 1-based): chr6:52,438,362, A>G. VCF-style: chr6-52438362-A-G. GRCh37 (hg19) VCF-style: chr6-52303160-A-G.
Other names: p.Y115C:TAT>TGT; c.287A>G, p.Tyr96Cys (NM_001172420.2); short protein forms Y115C, Y96C.
Identifiers: ClinVar variation 205381 (VCV000205381.14), dbSNP rs371610025, ClinGen allele CA314400.